The following is an entry in ClinVar:

ClinVar aggregate classification (germline): Benign/Likely benign. Review status: criteria provided, multiple submitters, no conflicts (2 of 4 stars). 10 submissions from 10 submitters: Benign (1); Likely benign (8). 1 of the submissions does not count toward it. Last evaluated 2026-02-04.

Conditions:
MSH3-related disorder. Also called: MSH3-related condition.
Familial adenomatous polyposis 4 (FAP4). Also called: MSH3-related attenuated familial adenomatous polyposis. Identifiers: Orphanet 480536, MedGen C4310719, MONDO:0044300, OMIM 617100.
Endometrial carcinoma. Also called: Endometrial carcinoma, somatic. Identifiers: MedGen C0476089, MONDO:0002447, OMIM 608089, HP:0012114.
Hereditary cancer-predisposing syndrome. Also called: Hereditary Cancer Syndrome; Tumor predisposition; Hereditary neoplastic syndrome; Neoplastic Syndromes, Hereditary. Identifiers: Orphanet 140162, MedGen C0027672, MeSH D009386, MONDO:0015356.

Allele frequency attached by ClinVar (database versions not stated): 1000 Genomes Project 30x 0.00016; 1000 Genomes Project 0.00020; gnomAD exomes 0.00020 and 0.00027; gnomAD 0.00023 and 0.00024; TOPMed 0.00024; ExAC 0.00040; ESP Exome Variant Server 0.00046.
gnomAD v4.1: 325 of 1,613,928 alleles (0.02%); highest among the groups gnomAD compares: Non-Finnish European, 0.024%; no homozygotes.

Submissions (10):

Labcorp Genetics (formerly Invitae), Labcorp
Classification: Likely benign. Last evaluated: 2026-02-04. Review status: criteria provided, single submitter. Criteria: Invitae Variant Classification Sherloc (09022015). Collection method: clinical testing. Allele origin: germline.

Center for Genomic Medicine, Rigshospitalet, Copenhagen University Hospital
Classification: Likely benign. Last evaluated: 2025-03-04. Review status: criteria provided, single submitter. Criteria: ACMG Guidelines, 2015. Collection method: clinical testing. Allele origin: germline.

CeGaT Center for Human Genetics Tuebingen
Classification: Likely benign. Last evaluated: 2025-03-01. Review status: criteria provided, single submitter. Criteria: CeGaT Center For Human Genetics Tuebingen Variant Classification Criteria Version 2. Collection method: clinical testing. Allele origin: germline. Affected: yes. Observed: 1 variant allele.
Comment: MSH3: BP4, BP7

Department of Pathology and Laboratory Medicine, Sinai Health System
Classification: Likely benign for Endometrial carcinoma; Familial adenomatous polyposis 4. Last evaluated: 2024-09-26. Review status: criteria provided, single submitter. Criteria: ACMG Guidelines, 2015. Collection method: clinical testing. Allele origin: germline.

Blueprint Genetics
Classification: Likely benign. Last evaluated: 2024-03-17. Review status: criteria provided, single submitter. Criteria: ACMG Guidelines, 2015. Collection method: clinical testing. Allele origin: germline.

Sema4
Classification: Likely benign for Hereditary cancer-predisposing syndrome. Last evaluated: 2021-06-15. Review status: criteria provided, single submitter. Criteria: Sema4 Curation Guidelines. Collection method: curation. Allele origin: germline.

Quest Diagnostics Nichols Institute San Juan Capistrano
Classification: Benign. Last evaluated: 2021-05-25. Review status: criteria provided, single submitter. Criteria: Quest Diagnostics criteria. Collection method: clinical testing. Allele origin: unknown.

GeneDx
Classification: Likely benign. Last evaluated: 2021-05-24. Review status: criteria provided, single submitter. Criteria: GeneDx Variant Classification Process June 2021. Collection method: clinical testing. Allele origin: germline. Affected: yes.

Ambry Genetics
Classification: Likely benign for Hereditary cancer-predisposing syndrome. Last evaluated: 2018-11-29. Review status: criteria provided, single submitter. Criteria: Ambry Variant Classification Scheme 2023. Collection method: clinical testing. Allele origin: germline.

PreventionGenetics, part of Exact Sciences
Classification: Likely benign for MSH3-related condition. Last evaluated: 2021-04-13. Review status: no assertion criteria provided. Collection method: clinical testing. Allele origin: germline. Not counted in ClinVar's aggregate classification.
Comment: This variant is classified as likely benign based on ACMG/AMP sequence variant interpretation guidelines (Richards et al. 2015 PMID: 25741868, with internal and published modifications).

NM_002439.5(MSH3):c.2685C>T (p.Thr895=)

Gene: MSH3 (mutS homolog 3; plus strand). Cytogenetic location: 5q14.1.
Variant type: single nucleotide variant.
Coding change: c.2685C>T on transcript NM_002439.5 (MANE Select); coding-DNA position 2685, C replaced by T.
Protein change: p.Thr895=; no amino-acid change (threonine 895 retained).
Molecular consequence: synonymous variant.
Genome position (GRCh38, 1-based): chr5:80,813,613, C>T. VCF-style: chr5-80813613-C-T. GRCh37 (hg19) VCF-style: chr5-80109432-C-T.
Identifiers: ClinVar variation 757222 (VCV000757222.36), dbSNP rs61753792, ClinGen allele CA3328327.